The following is an entry in ClinVar:

ClinVar aggregate classification (germline): Uncertain significance (1 of 4 stars; one submission).

Conditions:
CEBPA-related disorder. Also called: CEBPA-related condition.

Submission:

PreventionGenetics, part of Exact Sciences
Classification: Uncertain significance for CEBPA-related condition. Last evaluated: 2025-03-01. Review status: criteria provided, single submitter. Criteria: ACMG Guidelines, 2015. Collection method: clinical testing. Allele origin: germline.
Comment: The CEBPA c.86G>T variant is predicted to result in the amino acid substitution p.Arg29Leu. To our knowledge, this variant has not been reported in the literature or in a large population database (gnomAD), indicating this variant is rare. At this time, the clinical significance of this variant is uncertain due to the absence of conclusive functional and genetic evidence.

NM_004364.5(CEBPA):c.-20G>T

Genes: CEBPA (CCAAT enhancer binding protein alpha; minus strand), LOC130064183 (ATAC-STARR-seq lymphoblastoid silent region 10495; plus strand). Cytogenetic location: 19q13.11.
Variant type: single nucleotide variant.
Coding change: c.-20G>T on transcript NM_004364.5 (MANE Select); 20 bases upstream of the start codon, G replaced by T.
Molecular consequence: 5 prime UTR variant. On other transcripts: missense variant (1).
Genome position (GRCh38, 1-based): chr19:33,302,434, C>A on the plus strand (G>T on the coding strand, the complement: CEBPA is on the minus strand). VCF-style: chr19-33302434-C-A. GRCh37 (hg19) VCF-style: chr19-33793340-C-A.
Other names: c.-377G>T (NM_001285829.2); c.86G>T, p.Arg29Leu (NM_001287424.2); c.-62G>T (NM_001287435.2); short protein forms R29L.
Identifiers: ClinVar variation 4981829 (VCV004981829.1).